The following is an entry in ClinVar:

ClinVar aggregate classification (germline): Uncertain significance (1 of 4 stars; one submission).

Submission:

GeneDx
Classification: Uncertain significance. Last evaluated: 2024-05-29. Review status: criteria provided, single submitter. Criteria: GeneDx Variant Classification Process June 2021. Collection method: clinical testing. Allele origin: germline. Affected: yes.
Comment: Not observed at significant frequency in large population cohorts (gnomAD); In silico analysis supports that this missense variant has a deleterious effect on protein structure/function; Has not been previously published as pathogenic or benign to our knowledge

NM_019842.4(KCNQ5):c.1507A>C (p.Lys503Gln)

Gene: KCNQ5 (potassium voltage-gated channel subfamily Q member 5; plus strand). Cytogenetic location: 6q13.
Variant type: single nucleotide variant.
Coding change: c.1507A>C on transcript NM_019842.4 (MANE Select); coding-DNA position 1507, A replaced by C.
Protein change: p.Lys503Gln; replaces lysine 503 with glutamine.
Molecular consequence: missense variant. On other transcripts: intron variant (1).
Genome position (GRCh38, 1-based): chr6:73,169,784, A>C. VCF-style: chr6-73169784-A-C. GRCh37 (hg19) VCF-style: chr6-73879507-A-C.
Other names: c.1480A>C, p.Lys494Gln (NM_001160130.2); c.1537A>C, p.Lys513Gln (NM_001160132.2); c.1564A>C, p.Lys522Gln (NM_001160133.2); c.1248-20789A>C (NM_001160134.2); short protein forms K494Q, K503Q, K513Q, K522Q.
Identifiers: ClinVar variation 3383803 (VCV003383803.1).